The following is an entry in ClinVar:

ClinVar aggregate classification (germline): Conflicting classifications of pathogenicity. Review status: criteria provided, conflicting classifications (1 of 4 stars). 2 submissions from 2 submitters: Uncertain significance (1); Likely benign (1). Last evaluated 2025-01-26.

Conditions:
Gorlin syndrome. Also called: Nevoid Basal Cell Carcinoma Syndrome; Basal cell nevus syndrome. Identifiers: Orphanet 377, MedGen C0004779, MONDO:0007187.
Medulloblastoma (MDB). Also called: Medulloblastoma, somatic; MEDULLOBLASTOMA PREDISPOSITION SYNDROME. Identifiers: Orphanet 616, MedGen C0025149, MeSH D008527, MONDO:0007959, OMIM 155255, HP:0002885.
Hereditary cancer-predisposing syndrome. Also called: Hereditary Cancer Syndrome; Neoplastic Syndromes, Hereditary; Hereditary neoplastic syndrome; Tumor predisposition. Identifiers: Orphanet 140162, MedGen C0027672, MeSH D009386, MONDO:0015356.

Allele frequency attached by ClinVar (database versions not stated): ExAC 0.00001; gnomAD 0.00001; gnomAD exomes 0.00001; TOPMed 0.00001.
gnomAD v4.1: 3 of 1,614,072 alleles (0.00019%); highest among the groups gnomAD compares: East Asian, 0.0067%; no homozygotes.

Submissions (2):

Labcorp Genetics (formerly Invitae), Labcorp
Classification: Uncertain significance for Gorlin syndrome; Medulloblastoma. Last evaluated: 2025-01-26. Review status: criteria provided, single submitter. Criteria: Invitae Variant Classification Sherloc (09022015). Collection method: clinical testing. Allele origin: germline.
Comment: This sequence change replaces glutamine, which is neutral and polar, with glutamic acid, which is acidic and polar, at codon 332 of the SUFU protein (p.Gln332Glu). This variant is present in population databases (rs747125633, gnomAD 0.01%). This variant has not been reported in the literature in individuals affected with SUFU-related conditions. ClinVar contains an entry for this variant (Variation ID: 823579). Invitae Evidence Modeling of protein sequence and biophysical properties (such as structural, functional, and spatial information, amino acid conservation, physicochemical variation, residue mobility, and thermodynamic stability) indicates that this missense variant is not expected to disrupt SUFU protein function with a negative predictive value of 80%. In summary, the available evidence is currently insufficient to determine the role of this variant in disease. Therefore, it has been classified as a Variant of Uncertain Significance.

Ambry Genetics
Classification: Likely benign for Hereditary cancer-predisposing syndrome. Last evaluated: 2022-07-25. Review status: criteria provided, single submitter. Criteria: Ambry Variant Classification Scheme 2023. Collection method: clinical testing. Allele origin: germline.

NM_016169.4(SUFU):c.994C>G (p.Gln332Glu)

Gene: SUFU (SUFU negative regulator of hedgehog signaling; plus strand). Cytogenetic location: 10q24.32.
Variant type: single nucleotide variant.
Coding change: c.994C>G on transcript NM_016169.4 (MANE Select); coding-DNA position 994, C replaced by G.
Protein change: p.Gln332Glu; replaces glutamine 332 with glutamic acid.
Molecular consequence: missense variant.
Genome position (GRCh38, 1-based): chr10:102,599,516, C>G. VCF-style: chr10-102599516-C-G. GRCh37 (hg19) VCF-style: chr10-104359273-C-G.
Other names: c.994C>G, p.Gln332Glu (NM_001178133.2); short protein forms Q332E.
Identifiers: ClinVar variation 823579 (VCV000823579.10), dbSNP rs747125633, ClinGen allele CA5667831.